The following is an entry in ClinVar:

ClinVar aggregate classification (germline): Likely benign (1 of 4 stars; one submission).

Conditions:
PTCH2-related disorder. Also called: PTCH2-related condition; PTCH2-related disease.

gnomAD v4.1: 5 of 1,587,638 alleles (0.00031%); highest among the groups gnomAD compares: Admixed American, 0.0018%; no homozygotes.

Submission:

PreventionGenetics, part of Exact Sciences
Classification: Likely benign for PTCH2-related condition. Last evaluated: 2025-09-03. Review status: criteria provided, single submitter. Criteria: ACMG Guidelines, 2015. Collection method: clinical testing. Allele origin: germline.
Comment: This variant is classified as likely benign based on ACMG/AMP sequence variant interpretation guidelines (Richards et al. 2015 PMID: 25741868, with internal and published modifications).

NM_003738.5(PTCH2):c.564C>A (p.Pro188=)

Gene: PTCH2 (patched 2; minus strand). Cytogenetic location: 1p34.1.
Variant type: single nucleotide variant.
Coding change: c.564C>A on transcript NM_003738.5 (MANE Select); coding-DNA position 564, C replaced by A.
Protein change: p.Pro188=; no amino-acid change (proline 188 retained).
Molecular consequence: synonymous variant.
Genome position (GRCh38, 1-based): chr1:44,831,759, G>T on the plus strand (C>A on the coding strand, the complement: PTCH2 is on the minus strand). VCF-style: chr1-44831759-G-T. GRCh37 (hg19) VCF-style: chr1-45297431-G-T.
Other names: c.564C>A, p.Pro188= (NM_001166292.2).
Identifiers: ClinVar variation 4990384 (VCV004990384.1).
Genomic context (GRCh38, chr1:44,831,759, plus strand): 5'-CACTCACGGCAGGTAGGCGGAGCCCCCTTGGAGTTTGGCTCCCTCCCAGAAGCAGTCGAG[G>T]GGGGTGAGGATCACGCACGGAAACAGCTTCTCAATCATCTGCCAGGGATACCCCGGGCCA-3'
Protein context (NP_003729.3, residues 178-198): EKLFPCVILT[Pro188=]LDCFWEGAKL